The following is an entry in ClinVar:

NM_001006630.2(CHRM2):c.608C>T (p.Thr203Ile)

Genes: CHRM2 (cholinergic receptor muscarinic 2; plus strand), LOC349160 (uncharacterized LOC349160; minus strand). Cytogenetic location: 7q33.
Variant type: single nucleotide variant.
Coding change: c.608C>T on transcript NM_001006630.2 (MANE Select); coding-DNA position 608, C replaced by T.
Protein change: p.Thr203Ile; replaces threonine 203 with isoleucine.
Molecular consequence: missense variant.
Genome position (GRCh38, 1-based): chr7:137,015,473, C>T. VCF-style: chr7-137015473-C-T. GRCh37 (hg19) VCF-style: chr7-136700220-C-T.
Other names: c.608C>T, p.Thr203Ile (NM_001006631.3, NM_001006632.3, NM_001378972.1 and 6 more transcripts); short protein forms T203I.
Identifiers: ClinVar variation 3833153 (VCV003833153.2).

ClinVar aggregate classification (germline): Uncertain significance. Review status: criteria provided, multiple submitters, no conflicts (2 of 4 stars). 2 submissions from 2 submitters: Uncertain significance (2). Last evaluated 2025-12-19.

gnomAD v4.1: 8 of 1,613,210 alleles (0.0005%); highest among the groups gnomAD compares: African/African-American, 0.0094%; no homozygotes.

Submissions (2):

Labcorp Genetics (formerly Invitae), Labcorp
Classification: Uncertain significance. Last evaluated: 2025-12-19. Review status: criteria provided, single submitter. Criteria: Invitae Variant Classification Sherloc (09022015). Collection method: clinical testing. Allele origin: germline.
Comment: This sequence change replaces threonine, which is neutral and polar, with isoleucine, which is neutral and non-polar, at codon 203 of the CHRM2 protein (p.Thr203Ile). This variant is present in population databases (no rsID available, gnomAD 0.01%). This variant has not been reported in the literature in individuals affected with CHRM2-related conditions. ClinVar contains an entry for this variant (Variation ID: 3833153). An algorithm developed to predict the effect of missense changes on protein structure and function (PolyPhen-2) suggests that this variant is likely to be tolerated. In summary, the available evidence is currently insufficient to determine the role of this variant in disease. Therefore, it has been classified as a Variant of Uncertain Significance.

Ambry Genetics
Classification: Uncertain significance. Last evaluated: 2025-01-17. Review status: criteria provided, single submitter. Criteria: Ambry Variant Classification Scheme 2023. Collection method: clinical testing. Allele origin: germline.